The following is an entry in ClinVar:

ClinVar aggregate classification (germline): Benign/Likely benign. Review status: criteria provided, multiple submitters, no conflicts (2 of 4 stars). 3 submissions from 3 submitters: Benign (2); Likely benign (1). Last evaluated 2024-11-21.

Conditions:
Progressive myositis ossificans (FOP). Also called: Myositis ossificans progressiva; Progressive ossifying myositis; Fibrodysplasia Ossificans Progressiva. Identifiers: Orphanet 337, MedGen C0016037, MONDO:0007606, OMIM 135100.

Allele frequency attached by ClinVar (database versions not stated): TOPMed 0.00002; gnomAD exomes 0.00003 and 0.00005; ExAC 0.00005.
gnomAD v4.1: 17 of 1,614,096 alleles (0.0011%); highest among the groups gnomAD compares: Admixed American, 0.028%; no homozygotes.

Submissions (3):

Labcorp Genetics (formerly Invitae), Labcorp
Classification: Likely benign. Last evaluated: 2024-11-21. Review status: criteria provided, single submitter. Criteria: Invitae Variant Classification Sherloc (09022015). Collection method: clinical testing. Allele origin: germline.

Genome-Nilou Lab
Classification: Benign for Progressive myositis ossificans. Last evaluated: 2021-12-05. Review status: criteria provided, single submitter. Criteria: ACMG Guidelines, 2015. Collection method: clinical testing. Allele origin: germline. Affected: no.

Illumina Laboratory Services, Illumina
Classification: Benign for Progressive myositis ossificans. Last evaluated: 2018-01-13. Review status: criteria provided, single submitter. Criteria: ICSL Variant Classification Criteria 13 December 2019. Collection method: clinical testing. Allele origin: germline.
Comment: This variant was observed in the ICSL laboratory as part of a predisposition screen in an ostensibly healthy population. It had not been previously curated by ICSL or reported in the Human Gene Mutation Database (HGMD: prior to June 1st, 2018), and was therefore a candidate for classification through an automated scoring system. Utilizing variant allele frequency, disease prevalence and penetrance estimates, and inheritance mode, an automated score was calculated to assess if this variant is too frequent to cause the disease. Based on the score and internal cut-off values, a variant classified as benign is not then subjected to further curation. The score for this variant resulted in a classification of benign for this disease.

NM_001111067.4(ACVR1):c.450A>G (p.Lys150=)

Gene: ACVR1 (activin A receptor type 1; minus strand). Cytogenetic location: 2q24.1.
Variant type: single nucleotide variant.
Coding change: c.450A>G on transcript NM_001111067.4 (MANE Select); coding-DNA position 450, A replaced by G.
Protein change: p.Lys150=; no amino-acid change (lysine 150 retained).
Molecular consequence: synonymous variant.
Genome position (GRCh38, 1-based): chr2:157,778,224, T>C on the plus strand (A>G on the coding strand, the complement: ACVR1 is on the minus strand). VCF-style: chr2-157778224-T-C. GRCh37 (hg19) VCF-style: chr2-158634736-T-C.
Other names: c.450A>G, p.Lys150= (NM_001105.5, NM_001347663.1, NM_001347664.1 and 3 more transcripts).
Identifiers: ClinVar variation 331697 (VCV000331697.15), dbSNP rs774878576, ClinGen allele CA1919155.